The following is an entry in ClinVar:

NM_006516.4(SLC2A1):c.1281del (p.Gln427fs)

Gene: SLC2A1 (solute carrier family 2 member 1; minus strand). Cytogenetic location: 1p34.2.
Variant type: Deletion.
Coding change: c.1281del on transcript NM_006516.4 (MANE Select); coding-DNA position 1281, one base deleted (A; older notation c.1281delA).
Protein change: p.Gln427fs; shifts the reading frame from glutamine 427.
Molecular consequence: frameshift variant.
Genome position (GRCh38, 1-based): chr1:42,927,239, T deleted on the plus strand (A on the coding strand, the reverse complement: SLC2A1 is on the minus strand); the first of 2 consecutive T bases (chr1:42,927,239-42,927,240); deleting either gives the same sequence. VCF-style (leftmost placement, unchanged base first): chr1-42927238-GT-G. GRCh37 (hg19) VCF-style: chr1-43392909-GT-G.
Other names: short protein forms Q427fs.
Identifiers: ClinVar variation 3651061 (VCV003651061.2).
Genomic context (GRCh38, chr1:42,927,238, plus strand): 5'-TGAAGATGAAGAACAGAACCAGGAGCACAGTGAAGATGATGAAGACGTAGGGACCACACA[GT>G]TGCTGAAAGACACACAGACACACTTGGTTGGAGTCATGACCCTACATCCTGGCTGTAGGA-3'

ClinVar aggregate classification (germline): Pathogenic (1 of 4 stars; one submission).

Conditions:
GLUT1 deficiency syndrome 1, autosomal recessive. Identifiers: MedGen C3149117.

Submission:

Labcorp Genetics (formerly Invitae), Labcorp
Classification: Pathogenic for GLUT1 deficiency syndrome 1, autosomal recessive. Last evaluated: 2024-04-25. Review status: criteria provided, single submitter. Criteria: Invitae Variant Classification Sherloc (09022015). Collection method: clinical testing. Allele origin: germline.
Comment: This sequence change results in a frameshift in the SLC2A1 gene (p.Gln427Hisfs*81). While this is not anticipated to result in nonsense mediated decay, it is expected to disrupt the last 66 amino acid(s) of the SLC2A1 protein and extend the protein by 14 additional amino acid residues. This variant is not present in population databases (gnomAD no frequency). This variant has not been reported in the literature in individuals affected with SLC2A1-related conditions. This variant disrupts a region of the SLC2A1 protein in which other variant(s) (p.Pro485Leu) have been determined to be pathogenic (PMID: 18387950, 19237265, 20129935, 32802945). This suggests that this is a clinically significant region of the protein, and that variants that disrupt it are likely to be disease-causing. For these reasons, this variant has been classified as Pathogenic.

Literature cited by the submitters: PubMed 18387950; PubMed 19237265; PubMed 20129935; PubMed 32802945.